The following is an entry in ClinVar:

ClinVar aggregate classification (germline): Uncertain significance. Review status: criteria provided, multiple submitters, no conflicts (2 of 4 stars). 2 submissions from 2 submitters: Uncertain significance (2). Last evaluated 2025-08-09.

Conditions:
Inborn genetic diseases. Identifiers: MedGen C0950123, MeSH D030342.

Allele frequency attached by ClinVar (database versions not stated): gnomAD 0.00001 and 0.00002; gnomAD exomes 0.00001; TOPMed 0.00001.
gnomAD v4.1: 14 of 1,610,926 alleles (0.00087%); highest among the groups gnomAD compares: Non-Finnish European, 0.0011%; no homozygotes.

Submissions (2):

Ambry Genetics
Classification: Uncertain significance for Inborn genetic diseases. Last evaluated: 2025-08-09. Review status: criteria provided, single submitter. Criteria: Ambry Variant Classification Scheme 2023. Collection method: clinical testing. Allele origin: germline.

GeneDx
Classification: Uncertain significance. Last evaluated: 2021-06-15. Review status: criteria provided, single submitter. Criteria: GeneDx Variant Classification Process June 2021. Collection method: clinical testing. Allele origin: germline. Affected: yes.
Comment: Not observed at significant frequency in large population cohorts (Lek et al., 2016); In silico analysis supports that this missense variant has a deleterious effect on protein structure/function; Has not been previously published as pathogenic or benign to our knowledge; This variant is associated with the following publications: (PMID: 27535533)

NM_183357.3(ADCY5):c.3649C>T (p.Arg1217Cys)

Gene: ADCY5 (adenylate cyclase 5; minus strand). Cytogenetic location: 3q21.1.
Variant type: single nucleotide variant.
Coding change: c.3649C>T on transcript NM_183357.3 (MANE Select); coding-DNA position 3649, C replaced by T.
Protein change: p.Arg1217Cys; replaces arginine 1217 with cysteine.
Molecular consequence: missense variant.
Genome position (GRCh38, 1-based): chr3:123,286,693, G>A on the plus strand (C>T on the coding strand, the complement: ADCY5 is on the minus strand). VCF-style: chr3-123286693-G-A. GRCh37 (hg19) VCF-style: chr3-123005540-G-A.
Other names: c.2599C>T, p.Arg867Cys (NM_001199642.1); c.3724C>T, p.Arg1242Cys (NM_001378259.1); short protein forms R1217C, R1242C, R867C.
Identifiers: ClinVar variation 1328850 (VCV001328850.3), dbSNP rs1345305850, ClinGen allele CA354222214.
Genomic context (GRCh38, chr3:123,286,693, plus strand): 5'-CAGACACAGGACCTCCCATGGGGTGAGGGGTGGTGGATGCTCCTGCACTCACCTGGATGC[G>A]GTCGGGTACACCGGTGCTGTCCATGCGGCTGGCCACGTTCACGGTATTGCCCCAGATGTC-3'
Protein context (NP_899200.1, residues 1207-1227): SRMDSTGVPD[Arg1217Cys]IQVTTDMYQV